The following is an entry in ClinVar:

ClinVar aggregate classification (germline): Uncertain significance (1 of 4 stars; one submission).

Conditions:
Hereditary cancer-predisposing syndrome. Also called: Neoplastic Syndromes, Hereditary; Tumor predisposition; Hereditary Cancer Syndrome; Hereditary neoplastic syndrome. Identifiers: Orphanet 140162, MedGen C0027672, MeSH D009386, MONDO:0015356.

Submission:

Color Diagnostics, LLC DBA Color Health
Classification: Uncertain significance for Hereditary cancer-predisposing syndrome. Last evaluated: 2023-12-04. Review status: criteria provided, single submitter. Criteria: ACMG Guidelines, 2015. Collection method: clinical testing. Allele origin: germline.
Comment: This missense variant replaces glycine with aspartic acid at codon 65 of the BARD1 protein. To our knowledge, functional studies have not been reported for this variant. This variant has not been reported in individuals affected with BARD1-related disorders in the literature. This variant has not been identified in the general population by the Genome Aggregation Database (gnomAD). The available evidence is insufficient to determine the role of this variant in disease conclusively. Therefore, this variant is classified as a Variant of Uncertain Significance.

NM_000465.4(BARD1):c.194_195delinsAT (p.Gly65Asp)

Gene: BARD1 (BRCA1 associated RING domain 1; minus strand). Cytogenetic location: 2q35.
Variant type: Indel.
Coding change: c.194_195delinsAT on transcript NM_000465.4 (MANE Select); coding-DNA positions 194 to 195, GA replaced by AT.
Protein change: p.Gly65Asp; replaces glycine 65 with aspartic acid.
Molecular consequence: missense variant. On other transcripts: non-coding transcript variant (2), intron variant (2).
Genome position (GRCh38, 1-based): chr2:214,797,081-214,797,082, TC replaced by AT on the plus strand (GA replaced by AT on the coding strand, the reverse complement: BARD1 is on the minus strand). VCF-style: chr2-214797081-TC-AT. GRCh37 (hg19) VCF-style: chr2-215661805-TC-AT.
Other names: c.194_195delinsAT, p.Gly65Asp (NM_001282545.2, NM_001282549.2); c.158+12330_158+12331delinsAT (NM_001282548.2); c.159-4637_159-4636delinsAT (NM_001282543.2); short protein forms G65D.
Identifiers: ClinVar variation 922490 (VCV000922490.4), dbSNP rs1695791941, ClinGen allele CA913188050.